The following is an entry in ClinVar:

NM_138694.4(PKHD1):c.10226A>C (p.Asp3409Ala)

Gene: PKHD1 (PKHD1 ciliary IPT domain containing fibrocystin/polyductin; minus strand). Cytogenetic location: 6p12.3.
Variant type: single nucleotide variant.
Coding change: c.10226A>C on transcript NM_138694.4 (MANE Select); coding-DNA position 10226, A replaced by C.
Protein change: p.Asp3409Ala; replaces aspartic acid 3409 with alanine.
Molecular consequence: missense variant.
Genome position (GRCh38, 1-based): chr6:51,659,900, T>G on the plus strand (A>C on the coding strand, the complement: PKHD1 is on the minus strand). VCF-style: chr6-51659900-T-G. GRCh37 (hg19) VCF-style: chr6-51524698-T-G.
Other names: short protein forms D3409A.
Identifiers: ClinVar variation 3251472 (VCV003251472.1), dbSNP rs754808508.

ClinVar aggregate classification (germline): Uncertain significance (1 of 4 stars; one submission).

gnomAD v4.1: 6 of 1,612,720 alleles (0.00037%); highest among the groups gnomAD compares: Non-Finnish European, 0.00051%; no homozygotes.

Submission:

Women's Health and Genetics/Laboratory Corporation of America, LabCorp
Classification: Uncertain significance. Last evaluated: 2024-04-08. Review status: criteria provided, single submitter. Criteria: LabCorp Variant Classification Summary - May 2015. Collection method: clinical testing. Allele origin: germline.
Comment: Variant summary: PKHD1 c.10226A>C (p.Asp3409Ala) results in a non-conservative amino acid change in the encoded protein sequence. Four of five in-silico tools predict a damaging effect of the variant on protein function. The variant was absent in 250420 control chromosomes (gnomAD). The available data on variant occurrences in the general population are insufficient to allow any conclusion about variant significance. To our knowledge, no occurrence of c.10226A>C in individuals affected with Polycystic Kidney And Hepatic Disease and no experimental evidence demonstrating its impact on protein function have been reported. No submitters have cited clinical-significance assessments for this variant to ClinVar. Based on the evidence outlined above, the variant was classified as uncertain significance.